The following is an entry in ClinVar:

NM_001077418.3(TMEM231):c.920G>A (p.Arg307Gln)

Gene: TMEM231 (transmembrane protein 231; minus strand). Cytogenetic location: 16q23.1.
Variant type: single nucleotide variant.
Coding change: c.920G>A on transcript NM_001077418.3 (MANE Select); coding-DNA position 920, G replaced by A.
Protein change: p.Arg307Gln; replaces arginine 307 with glutamine.
Molecular consequence: missense variant. On other transcripts: non-coding transcript variant (1).
Genome position (GRCh38, 1-based): chr16:75,540,025, C>T on the plus strand (G>A on the coding strand, the complement: TMEM231 is on the minus strand). VCF-style: chr16-75540025-C-T. GRCh37 (hg19) VCF-style: chr16-75573923-C-T.
Other names: c.1079G>A, p.Arg360Gln (NM_001077416.2); c.1007G>A (NM_001077416.1); short protein forms R307Q, R360Q.
Identifiers: ClinVar variation 1391864 (VCV001391864.8), dbSNP rs746970206, ClinGen allele CA8175993.
Genomic context (GRCh38, chr16:75,540,025, plus strand): 5'-GTCCTGCTGAGTCTTCAGAAATGGCCTTTCTAGGATAAGTGCTCCTTACACAAGTCTCCC[C>T]GGGGCGTCACTGTCACAGGAATGGTGGTCACCACCTGATTCTGAAACACGAAGATCTTGA-3'
Protein context (NP_001070886.1, residues 297-316): VTTIPVTVTP[Arg307Gln]GDLCKEHLS

ClinVar aggregate classification (germline): Conflicting classifications of pathogenicity. Review status: criteria provided, conflicting classifications (1 of 4 stars). 3 submissions from 3 submitters: Uncertain significance (2); Likely benign (1). Last evaluated 2025-12-09.

Conditions:
Inborn genetic diseases. Identifiers: MedGen C0950123, MeSH D030342.
Meckel syndrome, type 11 (MKS11). Identifiers: Orphanet 564, MedGen C3809352, MONDO:0014164, OMIM 615397.
Joubert syndrome 20 (JBTS20). Identifiers: Orphanet 475, MedGen C3554235, MONDO:0013994, OMIM 614970.

Allele frequency attached by ClinVar (database versions not stated): ExAC 0.00001; gnomAD 0.00001; gnomAD exomes 0.00001.
gnomAD v4.1: 73 of 1,612,994 alleles (0.0045%); highest among the groups gnomAD compares: Non-Finnish European, 0.0053%; no homozygotes.

Submissions (3):

Ambry Genetics
Classification: Likely benign for Inborn genetic diseases. Last evaluated: 2025-12-09. Review status: criteria provided, single submitter. Criteria: Ambry Variant Classification Scheme 2023. Collection method: clinical testing. Allele origin: germline.

Labcorp Genetics (formerly Invitae), Labcorp
Classification: Uncertain significance for Joubert syndrome 20; Meckel syndrome, type 11. Last evaluated: 2021-05-21. Review status: criteria provided, single submitter. Criteria: Invitae Variant Classification Sherloc (09022015). Collection method: clinical testing. Allele origin: germline.
Comment: In summary, the available evidence is currently insufficient to determine the role of this variant in disease. Therefore, it has been classified as a Variant of Uncertain Significance. Algorithms developed to predict the effect of missense changes on protein structure and function output the following: SIFT: "Tolerated"; PolyPhen-2: "Not Available"; Align-GVGD: "Class C0". The glutamine amino acid residue is found in multiple mammalian species, suggesting that this missense change does not adversely affect protein function. These predictions have not been confirmed by published functional studies and their clinical significance is uncertain. This variant has not been reported in the literature in individuals with TMEM231-related conditions. This variant is present in population databases (rs746970206, ExAC 0.002%). This sequence change replaces arginine with glutamine at codon 360 of the TMEM231 protein (p.Arg360Gln). The arginine residue is weakly conserved and there is a small physicochemical difference between arginine and glutamine.

Breakthrough Genomics
Classification: Uncertain significance. Review status: criteria provided, single submitter. Criteria: ACMG Guidelines, 2015. Collection method: not provided. Allele origin: germline. Inheritance: Autosomal recessive inheritance. Affected: yes.